The following is an entry in ClinVar:

ClinVar aggregate classification (germline): Conflicting classifications of pathogenicity. Review status: criteria provided, conflicting classifications (1 of 4 stars). 2 submissions from 2 submitters: Uncertain significance (1); Likely benign (1). Last evaluated 2022-12-14.

Allele frequency attached by ClinVar (database versions not stated): gnomAD exomes below 0.00001; ExAC 0.00001.

Submissions (2):

Labcorp Genetics (formerly Invitae), Labcorp
Classification: Uncertain significance. Last evaluated: 2022-12-14. Review status: criteria provided, single submitter. Criteria: Invitae Variant Classification Sherloc (09022015). Collection method: clinical testing. Allele origin: germline.
Comment: This sequence change replaces methionine, which is neutral and non-polar, with isoleucine, which is neutral and non-polar, at codon 458 of the RECQL protein (p.Met458Ile). This variant is present in population databases (rs772188113, gnomAD 0.0009%). This variant has not been reported in the literature in individuals affected with RECQL-related conditions. ClinVar contains an entry for this variant (Variation ID: 1402126). Advanced modeling of protein sequence and biophysical properties (such as structural, functional, and spatial information, amino acid conservation, physicochemical variation, residue mobility, and thermodynamic stability) performed at Invitae indicates that this missense variant is not expected to disrupt RECQL protein function. In summary, the available evidence is currently insufficient to determine the role of this variant in disease. Therefore, it has been classified as a Variant of Uncertain Significance.

Ambry Genetics
Classification: Likely benign. Last evaluated: 2020-08-05. Review status: criteria provided, single submitter. Criteria: Ambry Variant Classification Scheme 2023. Collection method: clinical testing. Allele origin: germline.

NM_002907.4(RECQL):c.1374G>T (p.Met458Ile)

Gene: RECQL (RecQ like helicase; minus strand). Cytogenetic location: 12p12.1.
Variant type: single nucleotide variant.
Coding change: c.1374G>T on transcript NM_002907.4 (MANE Select); coding-DNA position 1374, G replaced by T.
Protein change: p.Met458Ile; replaces methionine 458 with isoleucine.
Molecular consequence: missense variant.
Genome position (GRCh38, 1-based): chr12:21,473,624, C>A on the plus strand (G>T on the coding strand, the complement: RECQL is on the minus strand). VCF-style: chr12-21473624-C-A. GRCh37 (hg19) VCF-style: chr12-21626558-C-A.
Other names: c.1374G>T, p.Met458Ile (NM_032941.3); short protein forms M458I.
Identifiers: ClinVar variation 1402126 (VCV001402126.8), dbSNP rs772188113, ClinGen allele CA6478762.